The following is an entry in ClinVar:

NM_001382391.1(CSPP1):c.2557_2559del (p.Pro853del)

Gene: CSPP1 (centrosome and spindle pole associated protein 1; plus strand). Cytogenetic location: 8q13.2.
Variant type: Deletion.
Coding change: c.2557_2559del on transcript NM_001382391.1 (MANE Select); coding-DNA positions 2557 to 2559, 3 bases deleted (CCT; older notation c.2557_2559delCCT).
Protein change: p.Pro853del; deletes proline 853.
Molecular consequence: inframe deletion. On other transcripts: inframe indel (1).
Genome position (GRCh38, 1-based): chr8:67,161,829-67,161,831, CCT deleted; deleting any 3 consecutive bases within chr8:67,161,827-67,161,831 gives the same sequence; the c. name uses the placement nearest the transcript's 3' end. VCF-style (leftmost placement, unchanged base first): chr8-67161826-TCTC-T. GRCh37 (hg19) VCF-style: chr8-68074061-TCTC-T.
Other names: c.1507_1509del, p.Pro503del (NM_001291339.2); c.2476_2478del, p.Pro826del (NM_001363131.2); c.2362_2364del, p.Pro788del (NM_001363132.2); c.2281_2283del, p.Pro761del (NM_001363133.2); c.2623_2625del, p.Pro875del (NM_001364869.1); c.2443_2445del, p.Pro815del (NM_001364870.1); c.2542_2544delCCT, p.Pro848del (NM_024790.7); short protein forms P788del, P875del, P503del, P848del, P815del, P761del, P826del, P853del.
Identifiers: ClinVar variation 1520653 (VCV001520653.5), dbSNP rs1828417560, ClinGen allele CA1114872743.
Genomic context (GRCh38, chr8:67,161,826, plus strand): 5'-AGTGTGATGAAGCAAATATGCTCTTAAATTTTTTAAATTTTTCAGCACATGAGACAGCCT[TCTC>T]CTATAGTTCCTGCTCTTCAGAACAAAATTGCAAGCAAACTCCAAAGACCTCCTTCAGTTG-3'

ClinVar aggregate classification (germline): Uncertain significance (1 of 4 stars; one submission).

Conditions:
Joubert syndrome 21 (JBTS21). Identifiers: MedGen C3810212, MONDO:0014288, OMIM 615636.

Submission:

Labcorp Genetics (formerly Invitae), Labcorp
Classification: Uncertain significance for Joubert syndrome 21. Last evaluated: 2021-09-02. Review status: criteria provided, single submitter. Criteria: Invitae Variant Classification Sherloc (09022015). Collection method: clinical testing. Allele origin: germline.
Comment: This variant, c.2542_2544del, results in the deletion of 1 amino acid(s) of the CSPP1 protein (p.Pro848del), but otherwise preserves the integrity of the reading frame. This variant is not present in population databases (ExAC no frequency). This variant has not been reported in the literature in individuals affected with CSPP1-related conditions. Experimental studies and prediction algorithms are not available or were not evaluated, and the functional significance of this variant is currently unknown. In summary, the available evidence is currently insufficient to determine the role of this variant in disease. Therefore, it has been classified as a Variant of Uncertain Significance.